The following is an entry in ClinVar:

ClinVar aggregate classification (germline): Likely benign. Review status: criteria provided, multiple submitters, no conflicts (2 of 4 stars). 3 submissions from 3 submitters: Likely benign (3). Last evaluated 2026-05-03.

Conditions:
Cardiovascular phenotype. Identifiers: MedGen CN230736.
Dilated cardiomyopathy 1G (CMD1G). Identifiers: Orphanet 154, MedGen C1858763, MONDO:0011400, OMIM 604145.
Autosomal recessive limb-girdle muscular dystrophy type 2J (LGMDR10). Also called: MUSCULAR DYSTROPHY, LIMB-GIRDLE, AUTOSOMAL RECESSIVE 10; Limb-girdle muscular dystrophy, type 2J. Identifiers: Orphanet 140922, MedGen C1837342, MONDO:0012127, OMIM 608807.

Allele frequency attached by ClinVar (database versions not stated): TOPMed 0.00001; gnomAD 0.00001.
gnomAD v4.1: 7 of 1,613,656 alleles (0.00043%); highest among the groups gnomAD compares: African/African-American, 0.0013%; no homozygotes.

Submissions (3):

Ambry Genetics
Classification: Likely benign for Cardiovascular phenotype. Last evaluated: 2026-05-03. Review status: criteria provided, single submitter. Criteria: Ambry Variant Classification Scheme 2023. Collection method: clinical testing. Allele origin: germline.

Labcorp Genetics (formerly Invitae), Labcorp
Classification: Likely benign for Dilated cardiomyopathy 1G; Autosomal recessive limb-girdle muscular dystrophy type 2J. Last evaluated: 2025-04-01. Review status: criteria provided, single submitter. Criteria: Invitae Variant Classification Sherloc (09022015). Collection method: clinical testing. Allele origin: germline.

GeneDx
Classification: Likely benign. Last evaluated: 2017-06-19. Review status: criteria provided, single submitter. Criteria: GeneDx Variant Classification (06012015). Collection method: clinical testing. Allele origin: germline. Affected: yes.
Comment: This variant is considered likely benign or benign based on one or more of the following criteria: it is a conservative change, it occurs at a poorly conserved position in the protein, it is predicted to be benign by multiple in silico algorithms, and/or has population frequency not consistent with disease.

NM_001267550.2(TTN):c.82077T>G (p.Ser27359=)

Genes: TTN (titin; minus strand), TTN-AS1 (TTN antisense RNA 1; plus strand). Cytogenetic location: 2q31.2.
Variant type: single nucleotide variant.
Coding change: c.82077T>G on transcript NM_001267550.2 (MANE Select); coding-DNA position 82077, T replaced by G.
Protein change: p.Ser27359=; no amino-acid change (serine 27359 retained).
Molecular consequence: synonymous variant.
Genome position (GRCh38, 1-based): chr2:178,564,055, A>C on the plus strand (T>G on the coding strand, the complement: TTN is on the minus strand). VCF-style: chr2-178564055-A-C. GRCh37 (hg19) VCF-style: chr2-179428782-A-C.
Other names: c.77154T>G, p.Ser25718= (NM_001256850.1); c.54882T>G, p.Ser18294= (NM_003319.4); c.74373T>G, p.Ser24791= (NM_133378.4); c.55257T>G, p.Ser18419= (NM_133432.3); c.55458T>G, p.Ser18486= (NM_133437.4).
Identifiers: ClinVar variation 508438 (VCV000508438.5), dbSNP rs1422013634, ClinGen allele CA430250709.